The following is an entry in ClinVar:

ClinVar aggregate classification (germline): Pathogenic (0 of 4 stars; one submission).

Conditions:
Ornithine carbamoyltransferase deficiency (OTCD). Also called: OTC DEFICIENCY; Ornithine Carbamoyltransferase Deficiency Disease; ORNITHINE TRANSCARBAMYLASE DEFICIENCY; ORNITHINE TRANSCARBAMYLASE DEFICIENCY, HYPERAMMONEMIA DUE TO. Identifiers: Orphanet 664, MedGen C0268542, MONDO:0010703, OMIM 311250.

Submission:

Molecular Genetics laboratory, Necker Hospital
Classification: Pathogenic for Ornithine carbamoyltransferase deficiency. Review status: no assertion criteria provided. Collection method: clinical testing. Allele origin: maternal. Inheritance: X-linked inheritance. Affected: yes.

NM_000531.6(OTC):c.740C>G (p.Thr247Arg)

Gene: OTC (ornithine transcarbamylase; plus strand). Cytogenetic location: Xp11.4.
Variant type: single nucleotide variant.
Coding change: c.740C>G on transcript NM_000531.6 (MANE Select); coding-DNA position 740, C replaced by G.
Protein change: p.Thr247Arg; replaces threonine 247 with arginine.
Molecular consequence: missense variant.
Genome position (GRCh38, 1-based): chrX:38,408,898, C>G. VCF-style: chrX-38408898-C-G. GRCh37 (hg19) VCF-style: chrX-38268151-C-G.
Other names: short protein forms T247R.
Identifiers: ClinVar variation 870329 (VCV000870329.2), dbSNP rs72558437, ClinGen allele CA412722391.